The following is an entry in ClinVar:

NM_000057.4(BLM):c.3993A>C (p.Arg1331Ser)

Gene: BLM (BLM RecQ like helicase; plus strand). Cytogenetic location: 15q26.1.
Variant type: single nucleotide variant.
Coding change: c.3993A>C on transcript NM_000057.4 (MANE Select); coding-DNA position 3993, A replaced by C.
Protein change: p.Arg1331Ser; replaces arginine 1331 with serine.
Molecular consequence: missense variant.
Genome position (GRCh38, 1-based): chr15:90,811,323, A>C. VCF-style: chr15-90811323-A-C. GRCh37 (hg19) VCF-style: chr15-91354553-A-C.
Other names: c.3993A>C, p.Arg1331Ser (NM_001287246.2); c.3600A>C, p.Arg1200Ser (NM_001287247.2); c.2868A>C, p.Arg956Ser (NM_001287248.2); short protein forms R1331S, R956S, R1200S.
Identifiers: ClinVar variation 2141724 (VCV002141724.5), dbSNP rs2505567273, ClinGen allele CA393851099.

ClinVar aggregate classification (germline): Uncertain significance. Review status: criteria provided, multiple submitters, no conflicts (2 of 4 stars). 2 submissions from 2 submitters: Uncertain significance (2). Last evaluated 2024-06-18.

Conditions:
Hereditary cancer-predisposing syndrome. Also called: Neoplastic Syndromes, Hereditary; Tumor predisposition; Hereditary neoplastic syndrome; Hereditary Cancer Syndrome. Identifiers: Orphanet 140162, MedGen C0027672, MeSH D009386, MONDO:0015356.
Bloom syndrome (BLM). Also called: Bloom-Torre-Machacek syndrome. Identifiers: Orphanet 125, MedGen C0005859, MONDO:0008876, OMIM 210900.

Submissions (2):

Labcorp Genetics (formerly Invitae), Labcorp
Classification: Uncertain significance for Bloom syndrome. Last evaluated: 2024-06-18. Review status: criteria provided, single submitter. Criteria: Invitae Variant Classification Sherloc (09022015). Collection method: clinical testing. Allele origin: germline.
Comment: This sequence change replaces arginine, which is basic and polar, with serine, which is neutral and polar, at codon 1331 of the BLM protein (p.Arg1331Ser). This variant is not present in population databases (gnomAD no frequency). This variant has not been reported in the literature in individuals affected with BLM-related conditions. Advanced modeling of protein sequence and biophysical properties (such as structural, functional, and spatial information, amino acid conservation, physicochemical variation, residue mobility, and thermodynamic stability) performed at Invitae indicates that this missense variant is not expected to disrupt BLM protein function with a negative predictive value of 80%. In summary, the available evidence is currently insufficient to determine the role of this variant in disease. Therefore, it has been classified as a Variant of Uncertain Significance.

Ambry Genetics
Classification: Uncertain significance for Hereditary cancer-predisposing syndrome. Last evaluated: 2024-01-09. Review status: criteria provided, single submitter. Criteria: Ambry Variant Classification Scheme 2023. Collection method: clinical testing. Allele origin: germline.
Comment: The p.R1331S variant (also known as c.3993A>C), located in coding exon 20 of the BLM gene, results from an A to C substitution at nucleotide position 3993. The arginine at codon 1331 is replaced by serine, an amino acid with dissimilar properties. This amino acid position is conserved. In addition, this alteration is predicted to be tolerated by in silico analysis. Since supporting evidence is limited at this time, the clinical significance of this alteration remains unclear.